The following is an entry in ClinVar:

NC_000023.10:g.(?_31341695)_(31645999_?)dup

Gene: DMD (dystrophin; minus strand). Cytogenetic location: Xp21.2-21.1.
Variant type: Duplication.
Identifiers: ClinVar variation 1443763 (VCV001443763.4).

ClinVar aggregate classification (germline): Uncertain significance (1 of 4 stars; one submission).

Conditions:
Duchenne muscular dystrophy (DMD). Also called: Duchenne Muscular Dystrophy (DMD); MUSCULAR DYSTROPHY, PSEUDOHYPERTROPHIC PROGRESSIVE, DUCHENNE TYPE. Identifiers: Orphanet 98896, MedGen C0013264, MONDO:0010679, OMIM 310200.

Submission:

Labcorp Genetics (formerly Invitae), Labcorp
Classification: Uncertain significance for Duchenne muscular dystrophy. Last evaluated: 2021-06-05. Review status: criteria provided, single submitter. Criteria: Invitae Variant Classification Sherloc (09022015). Collection method: clinical testing. Allele origin: germline.
Comment: In summary, the available evidence is currently insufficient to determine the role of this variant in disease. Therefore, it has been classified as a Variant of Uncertain Significance. Experimental studies and prediction algorithms are not available or were not evaluated, and the functional significance of this variant is currently unknown. This variant results in a copy number gain of the genomic region encompassing exon(s) 55-62 of the DMD gene. While the exact position of this variant cannot be determined from the data, sub-genic copy number gains are generally in tandem (PMID: 25640679). This variant is predicted to be in-frame, and likely preserves the integrity of the reading frame.

Literature cited by the submitters: PubMed 25640679.